The following is an entry in ClinVar:

ClinVar aggregate classification (germline): Uncertain significance (1 of 4 stars; one submission).

Conditions:
Cardiovascular phenotype. Identifiers: MedGen CN230736.

Allele frequency attached by ClinVar (database versions not stated): gnomAD exomes below 0.00001; gnomAD 0.00001; TOPMed 0.00001.

Submission:

Ambry Genetics
Classification: Uncertain significance for Cardiovascular phenotype. Last evaluated: 2023-10-26. Review status: criteria provided, single submitter. Criteria: Ambry Variant Classification Scheme 2023. Collection method: clinical testing. Allele origin: germline.
Comment: The p.V121M variant (also known as c.361G>A), located in coding exon 4 of the GPIHBP1 gene, results from a G to A substitution at nucleotide position 361. The valine at codon 121 is replaced by methionine, an amino acid with highly similar properties. This amino acid position is conserved. In addition, this alteration is predicted to be tolerated by in silico analysis. Since supporting evidence is limited at this time, the clinical significance of this alteration remains unclear.

NM_178172.6(GPIHBP1):c.361G>A (p.Val121Met)

Gene: GPIHBP1 (glycosylphosphatidylinositol anchored high density lipoprotein binding protein 1; plus strand). Cytogenetic location: 8q24.3.
Variant type: single nucleotide variant.
Coding change: c.361G>A on transcript NM_178172.6 (MANE Select); coding-DNA position 361, G replaced by A.
Protein change: p.Val121Met; replaces valine 121 with methionine.
Molecular consequence: missense variant.
Genome position (GRCh38, 1-based): chr8:143,215,324, G>A. VCF-style: chr8-143215324-G-A. GRCh37 (hg19) VCF-style: chr8-144297199-G-A.
Other names: c.361G>A, p.Val121Met (NM_001301772.2); short protein forms V121M.
Identifiers: ClinVar variation 3229463 (VCV003229463.1), dbSNP rs1216079888, ClinGen allele CA372402325.